The following is an entry in ClinVar:

ClinVar aggregate classification (germline): Uncertain significance (1 of 4 stars; one submission).

gnomAD v4.1: 2 of 1,577,662 alleles (0.00013%); highest among the groups gnomAD compares: Non-Finnish European, 0.00017%; no homozygotes.

Submission:

Ambry Genetics
Classification: Uncertain significance. Last evaluated: 2024-05-14. Review status: criteria provided, single submitter. Criteria: Ambry Variant Classification Scheme 2023. Collection method: clinical testing. Allele origin: germline.
Comment: The p.I1428T variant (also known as c.4283T>C), located in coding exon 34 of the PRKDC gene, results from a T to C substitution at nucleotide position 4283. The isoleucine at codon 1428 is replaced by threonine, an amino acid with similar properties. This amino acid position is conserved. Based on the available evidence, the clinical significance of this variant remains unclear.

NM_006904.7(PRKDC):c.4283T>C (p.Ile1428Thr)

Gene: PRKDC (protein kinase, DNA-activated, catalytic subunit; minus strand). Cytogenetic location: 8q11.21.
Variant type: single nucleotide variant.
Coding change: c.4283T>C on transcript NM_006904.7 (MANE Select); coding-DNA position 4283, T replaced by C.
Protein change: p.Ile1428Thr; replaces isoleucine 1428 with threonine.
Molecular consequence: missense variant.
Genome position (GRCh38, 1-based): chr8:47,888,648, A>G on the plus strand (T>C on the coding strand, the complement: PRKDC is on the minus strand). VCF-style: chr8-47888648-A-G. GRCh37 (hg19) VCF-style: chr8-48801209-A-G.
Other names: c.4283T>C, p.Ile1428Thr (NM_001081640.2); short protein forms I1428T.
Identifiers: ClinVar variation 3310059 (VCV003310059.1).